The following is an entry in ClinVar:

ClinVar aggregate classification (germline): Uncertain significance (1 of 4 stars; one submission).

Conditions:
Neurodevelopmental disorder with or without hyperkinetic movements and seizures, autosomal dominant. Also called: Intellectual disability, autosomal dominant 8. Identifiers: MedGen C3280282, MONDO:0013655, OMIM 614254.

Allele frequency attached by ClinVar (database versions not stated): gnomAD exomes below 0.00001.
gnomAD v4.1: 1 of 1,613,536 alleles (0.000062%); highest among the groups gnomAD compares: Non-Finnish European, 0.000085%; no homozygotes.

Submission:

Labcorp Genetics (formerly Invitae), Labcorp
Classification: Uncertain significance for Neurodevelopmental disorder with or without hyperkinetic movements and seizures, autosomal dominant. Last evaluated: 2023-01-08. Review status: criteria provided, single submitter. Criteria: Invitae Variant Classification Sherloc (09022015). Collection method: clinical testing. Allele origin: germline.
Comment: In summary, the available evidence is currently insufficient to determine the role of this variant in disease. Therefore, it has been classified as a Variant of Uncertain Significance. Algorithms developed to predict the effect of sequence changes on RNA splicing suggest that this variant may create or strengthen a splice site. Advanced modeling of protein sequence and biophysical properties (such as structural, functional, and spatial information, amino acid conservation, physicochemical variation, residue mobility, and thermodynamic stability) has been performed at Invitae for this missense variant, however the output from this modeling did not meet the statistical confidence thresholds required to predict the impact of this variant on GRIN1 protein function. This variant has not been reported in the literature in individuals affected with GRIN1-related conditions. This variant is not present in population databases (gnomAD no frequency). This sequence change replaces proline, which is neutral and non-polar, with leucine, which is neutral and non-polar, at codon 143 of the GRIN1 protein (p.Pro143Leu).

NM_007327.4(GRIN1):c.428C>T (p.Pro143Leu)

Gene: GRIN1 (glutamate ionotropic receptor NMDA type subunit 1; plus strand). Cytogenetic location: 9q34.3.
Variant type: single nucleotide variant.
Coding change: c.428C>T on transcript NM_007327.4 (MANE Select); coding-DNA position 428, C replaced by T.
Protein change: p.Pro143Leu; replaces proline 143 with leucine.
Molecular consequence: missense variant.
Genome position (GRCh38, 1-based): chr9:137,145,760, C>T. VCF-style: chr9-137145760-C-T. GRCh37 (hg19) VCF-style: chr9-140040212-C-T.
Other names: c.428C>T, p.Pro143Leu (NM_000832.7, NM_001185090.2, NM_001185091.2 and 1 more transcripts); short protein forms P143L.
Identifiers: ClinVar variation 2827001 (VCV002827001.3), dbSNP rs2538532951, ClinGen allele CA375713884.
Genomic context (GRCh38, chr9:137,145,760, plus strand): 5'-GCCCGCCGTGCCCCCGCCTCCCGCAGAGCATCCACCTGAGCTTCCTGCGCACCGTGCCGC[C>T]CTACTCCCACCAGTCCAGCGTGTGGTTTGAGATGATGCGTGTCTACAGCTGGAACCACAT-3'
Protein context (NP_015566.1, residues 133-153): IHLSFLRTVP[Pro143Leu]YSHQSSVWFE